The following is an entry in ClinVar:

ClinVar aggregate classification (germline): Pathogenic. Review status: reviewed by expert panel (3 of 4 stars). 9 submissions from 9 submitters: Pathogenic (1). 8 of the submissions do not count toward it. Last evaluated 2017-03-17.

Conditions:
CFTR-related disorder (CFTR-RD). Also called: CFTR-related condition; CFTR-related disorders. Identifiers: MedGen C5924204, MONDO:7770004.
Bronchiectasis with or without elevated sweat chloride 1 (BESC1). Also called: Cystic Fibrosis-Like Syndrome. Identifiers: Orphanet 60033, MedGen C2749757, MONDO:0008887, OMIM 211400.
Congenital bilateral aplasia of vas deferens from CFTR mutation (CBAVD). Identifiers: Orphanet 48, MedGen C0403814, MONDO:0010178, OMIM 277180. Disease mechanism: loss of function.
Cystic fibrosis (CF). Also called: MUCOVISCIDOSIS. Identifiers: Orphanet 586, MedGen C0010674, MONDO:0009061, OMIM 219700. Disease mechanism: loss of function.
Hereditary pancreatitis (PCTT). Also called: PRSS1-Related Hereditary Pancreatitis; Hereditary chronic pancreatitis. Identifiers: Orphanet 676, MedGen C0238339, MONDO:0008185, OMIM 167800.

Submissions (9):

CFTR2
Classification: Pathogenic for Cystic fibrosis. Last evaluated: 2017-03-17. Review status: reviewed by expert panel. Criteria: Sosnay PR et al. (Nat Genet 2013). Collection method: research. Allele origin: germline. Affected: yes. Study: CFTR2.

Fulgent Genetics
Classification: Pathogenic for Hereditary pancreatitis; Bronchiectasis with or without elevated sweat chloride 1; Cystic fibrosis; Congenital bilateral aplasia of vas deferens from CFTR mutation. Last evaluated: 2024-01-17. Review status: criteria provided, single submitter. Criteria: ACMG Guidelines, 2015. Collection method: clinical testing. Allele origin: germline. Not counted in ClinVar's aggregate classification.

Baylor Genetics
Classification: Pathogenic for Bronchiectasis with or without elevated sweat chloride 1. Last evaluated: 2022-02-18. Review status: criteria provided, single submitter. Criteria: ACMG Guidelines, 2015. Collection method: clinical testing. Allele origin: unknown. Not counted in ClinVar's aggregate classification.

Women's Health and Genetics/Laboratory Corporation of America, LabCorp
Classification: Pathogenic. Last evaluated: 2018-02-23. Review status: criteria provided, single submitter. Criteria: LabCorp Variant Classification Summary - May 2015. Collection method: clinical testing. Allele origin: germline. Not counted in ClinVar's aggregate classification.
Comment: Variant summary: CFTR c.174_177delTAGA (p.Asp58GlufsX32) results in a premature termination codon, predicted to cause a truncation of the encoded protein or absence of the protein due to nonsense mediated decay, which are commonly known mechanisms for disease. Truncations downstream of this position have been classified as pathogenic by our laboratory (e.g. c.178G>T (p.Glu60X), c.223C>T (p.Arg75X), c.262_263delTT (p.Leu88fsX22)). The variant was absent in 245558 control chromosomes. The c.174_177delTAGA variant has been reported in the literature in multiple individuals affected with Cystic Fibrosis (Strateva 2009, Kilinc 2002, De Wachter 2017, Clavel 1997), indicating that it is likely to be associated with disease. To our knowledge, no experimental evidence demonstrating an impact on protein function has been reported. One clinical diagnostic laboratory has submitted clinical-significance assessments for this variant to ClinVar after 2014 without evidence for independent evaluation, and classified the variant as pathogenic. Based on the evidence outlined above, the variant was classified as pathogenic.

CFTR-France
Classification: Pathogenic for cystic fibrosis. Last evaluated: 2018-01-29. Review status: criteria provided, single submitter. Criteria: Claustres M et al. (Hum Mutat 2017). Collection method: curation. Allele origin: germline. Affected: yes. Not counted in ClinVar's aggregate classification.

Ambry Genetics
Classification: Pathogenic for Cystic fibrosis. Last evaluated: 2016-07-19. Review status: criteria provided, single submitter. Criteria: Ambry Variant Classification Scheme 2023. Collection method: clinical testing. Allele origin: germline. Not counted in ClinVar's aggregate classification.
Comment: The c.174_177delTAGA pathogenic mutation, located in coding exon 3 of the CFTR gene, results from a deletion of 4 nucleotides at nucleotide positions 174 to 177, causing a translational frameshift with a predicted alternate stop codon (p.D58Efs*32). This mutation was reported in a patient diagnosed with cystic fibrosis secondary to meconium ileus at birth, who was heterozygous for a second pathogenic mutation (Clavel C et al. Hum. Mutat., 1997;9:368-9). In addition to the clinical data presented in the literature, this alteration is expected to result in loss of function by premature protein truncation or nonsense-mediated mRNA decay. As such, this alteration is interpreted as a disease-causing mutation.

Counsyl
Classification: Pathogenic for Cystic fibrosis. Last evaluated: 2017-08-22. Review status: no assertion criteria provided. Collection method: clinical testing. Allele origin: unknown. Not counted in ClinVar's aggregate classification.

Natera, Inc.
Classification: Pathogenic for CFTR-related disorders. Last evaluated: 2017-03-17. Review status: no assertion criteria provided. Collection method: clinical testing. Allele origin: germline. Not counted in ClinVar's aggregate classification.

ClinVar Staff, National Center for Biotechnology Information (NCBI)
No classification provided. Condition: CFTR-related disorders. Review status: no classification provided. Collection method: literature only. Allele origin: germline. Affected: yes. Not counted in ClinVar's aggregate classification.

Literature cited by the submitters: PubMed 19369536 (cited by Women's Health and Genetics/Laboratory Corporation of America, LabCorp and Counsyl); PubMed 26437683 (cited by Women's Health and Genetics/Laboratory Corporation of America, LabCorp); PubMed 9101301 (cited by 3 submitters); PubMed 28830496 (cited by Women's Health and Genetics/Laboratory Corporation of America, LabCorp); PubMed 12439892 (cited by Women's Health and Genetics/Laboratory Corporation of America, LabCorp and Counsyl); PubMed 15008989 (cited by Counsyl).

NM_000492.4(CFTR):c.174_177del (p.Asp58fs)

Genes: CFTR (CF transmembrane conductance regulator; plus strand), LOC113664106 (CFTR intron 2 DNase I hypersensitive site; plus strand). Cytogenetic location: 7q31.2.
Variant type: Deletion.
Coding change: c.174_177del on transcript NM_000492.4 (MANE Select); coding-DNA positions 174 to 177, 4 bases deleted (TAGA; older notation c.174_177delTAGA).
Protein change: p.Asp58fs; shifts the reading frame from aspartic acid 58.
Molecular consequence: frameshift variant.
Genome position (GRCh38, 1-based): chr7:117,509,043-117,509,046, TAGA deleted; deleting any 4 consecutive bases within chr7:117,509,041-117,509,046 gives the same sequence; the c. name uses the placement nearest the transcript's 3' end. VCF-style (leftmost placement, unchanged base first): chr7-117509040-GGATA-G. GRCh37 (hg19) VCF-style: chr7-117149094-GGATA-G.
Other names: c.174_177delTAGA (NM_000492.3); short protein forms D58fs.
Identifiers: ClinVar variation 53373 (VCV000053373.10), dbSNP rs397508295, ClinGen allele CA326656.